The following is an entry in ClinVar:

NM_002860.4(ALDH18A1):c.1771G>A (p.Glu591Lys)

Gene: ALDH18A1 (aldehyde dehydrogenase 18 family member A1; minus strand). Cytogenetic location: 10q24.1.
Variant type: single nucleotide variant.
Coding change: c.1771G>A on transcript NM_002860.4 (MANE Select); coding-DNA position 1771, G replaced by A.
Protein change: p.Glu591Lys; replaces glutamic acid 591 with lysine.
Molecular consequence: missense variant.
Genome position (GRCh38, 1-based): chr10:95,613,996, C>T on the plus strand (G>A on the coding strand, the complement: ALDH18A1 is on the minus strand). VCF-style: chr10-95613996-C-T. GRCh37 (hg19) VCF-style: chr10-97373753-C-T.
Other names: c.1765G>A, p.Glu589Lys (NM_001017423.2, NM_001323415.2); c.1438G>A, p.Glu480Lys (NM_001323412.2, NM_001323416.2); c.1771G>A, p.Glu591Lys (NM_001323413.2, NM_001323414.2); c.1666G>A, p.Glu556Lys (NM_001323417.2); c.1432G>A, p.Glu478Lys (NM_001323418.2); c.1135G>A, p.Glu379Lys (NM_001323419.2); short protein forms E379K, E478K, E480K, E556K, E589K, E591K.
Identifiers: ClinVar variation 3752028 (VCV003752028.2).

ClinVar aggregate classification (germline): Uncertain significance (1 of 4 stars; one submission).

Conditions:
Cutis laxa, autosomal dominant 3 (ADCL3). Identifiers: Orphanet 90348, MedGen C4225268, MONDO:0014706, OMIM 616603.
Autosomal dominant spastic paraplegia type 9. Identifiers: MedGen C1832669, MONDO:0015091.
de Barsy syndrome. Also called: Cutis laxa-corneal clouding-oligophrenia syndrome. Identifiers: Orphanet 2962, MedGen C0268354, MONDO:0017569.

gnomAD v4.1: 12 of 1,614,096 alleles (0.00074%); highest among the groups gnomAD compares: African/African-American, 0.0027%; no homozygotes.

Submission:

Labcorp Genetics (formerly Invitae), Labcorp
Classification: Uncertain significance for Autosomal dominant spastic paraplegia type 9; de Barsy syndrome; Cutis laxa, autosomal dominant 3. Last evaluated: 2024-09-29. Review status: criteria provided, single submitter. Criteria: Invitae Variant Classification Sherloc (09022015). Collection method: clinical testing. Allele origin: germline.
Comment: This sequence change replaces glutamic acid, which is acidic and polar, with lysine, which is basic and polar, at codon 591 of the ALDH18A1 protein (p.Glu591Lys). This variant is present in population databases (rs755594128, gnomAD 0.01%). This variant has not been reported in the literature in individuals affected with ALDH18A1-related conditions. Invitae Evidence Modeling of protein sequence and biophysical properties (such as structural, functional, and spatial information, amino acid conservation, physicochemical variation, residue mobility, and thermodynamic stability) has been performed for this missense variant. However, the output from this modeling did not meet the statistical confidence thresholds required to predict the impact of this variant on ALDH18A1 protein function. In summary, the available evidence is currently insufficient to determine the role of this variant in disease. Therefore, it has been classified as a Variant of Uncertain Significance.